The following is an entry in ClinVar:

ClinVar aggregate classification (germline): Uncertain significance (1 of 4 stars; one submission).

Conditions:
Familial hypokalemia-hypomagnesemia (GTLMNS). Also called: HYPOMAGNESEMIA-HYPOKALEMIA, PRIMARY RENOTUBULAR, WITH HYPOCALCIURIA; POTASSIUM AND MAGNESIUM DEPLETION; gitelman syndrome. Identifiers: Orphanet 358, MedGen C0268450, MONDO:0009904, OMIM 263800.

Submission:

3billion
Classification: Uncertain significance for Familial hypokalemia-hypomagnesemia. Last evaluated: 2023-08-23. Review status: criteria provided, single submitter. Criteria: ACMG Guidelines, 2015. Collection method: clinical testing. Allele origin: germline. Affected: yes.
Comment: The variant is not observed in the gnomAD v2.1.1 dataset. Predicted Consequence/Location: Missense variant In silico tool predictions suggest damaging effect of the variant on gene or gene product [REVEL: 0.92 (>=0.6, sensitivity 0.68 and specificity 0.92); 3Cnet: 0.84 (>=0.6, sensitivity 0.72 and precision 0.9)]. Therefore, this variant is classified as VUS according to the recommendation of ACMG/AMP guideline.

NM_001126108.2(SLC12A3):c.1306T>A (p.Cys436Ser)

Gene: SLC12A3 (solute carrier family 12 member 3; plus strand). Cytogenetic location: 16q13.
Variant type: single nucleotide variant.
Coding change: c.1306T>A on transcript NM_001126108.2 (MANE Select); coding-DNA position 1306, T replaced by A.
Protein change: p.Cys436Ser; replaces cysteine 436 with serine.
Molecular consequence: missense variant.
Genome position (GRCh38, 1-based): chr16:56,879,198, T>A. VCF-style: chr16-56879198-T-A. GRCh37 (hg19) VCF-style: chr16-56913110-T-A.
Other names: c.1306T>A, p.Cys436Ser (NM_000339.3); c.1303T>A, p.Cys435Ser (NM_001126107.2, NM_001410896.1); short protein forms C435S, C436S.
Identifiers: ClinVar variation 3775858 (VCV003775858.1).